The following is an entry in ClinVar:

NM_001267550.2(TTN):c.57073G>A (p.Val19025Ile)

Genes: TTN-AS1 (TTN antisense RNA 1; plus strand), TTN (titin; minus strand). Cytogenetic location: 2q31.2.
Variant type: single nucleotide variant.
Coding change: c.57073G>A on transcript NM_001267550.2 (MANE Select); coding-DNA position 57073, G replaced by A.
Protein change: p.Val19025Ile; replaces valine 19025 with isoleucine.
Molecular consequence: missense variant.
Genome position (GRCh38, 1-based): chr2:178,598,544, C>T on the plus strand (G>A on the coding strand, the complement: TTN is on the minus strand). VCF-style: chr2-178598544-C-T. GRCh37 (hg19) VCF-style: chr2-179463271-C-T.
Other names: c.29878G>A, p.Val9960Ile (NM_003319.4); c.30253G>A, p.Val10085Ile (NM_133432.3); c.30454G>A, p.Val10152Ile (NM_133437.4); c.52150G>A, p.Val17384Ile (NM_001256850.1); c.49369G>A, p.Val16457Ile (NM_133378.4); short protein forms V16457I, V19025I, V17384I, V9960I, V10085I, V10152I.
Identifiers: ClinVar variation 212474 (VCV000212474.26), dbSNP rs181957743, ClinGen allele CA248822.

ClinVar aggregate classification (germline): Conflicting classifications of pathogenicity. Review status: criteria provided, conflicting classifications (1 of 4 stars). 8 submissions from 8 submitters: Uncertain significance (5); Likely benign (3). Last evaluated 2026-05-29.

Conditions:
TTN-related disorder. Also called: TTN-related disorders; TTN-related condition; TTN-related disease.
Dilated cardiomyopathy 1G (CMD1G). Identifiers: Orphanet 154, MedGen C1858763, MONDO:0011400, OMIM 604145.
Autosomal recessive limb-girdle muscular dystrophy type 2J (LGMDR10). Also called: Limb-girdle muscular dystrophy, type 2J; MUSCULAR DYSTROPHY, LIMB-GIRDLE, AUTOSOMAL RECESSIVE 10. Identifiers: Orphanet 140922, MedGen C1837342, MONDO:0012127, OMIM 608807.

Allele frequency attached by ClinVar (database versions not stated): gnomAD 0.00011; ExAC 0.00017; TOPMed 0.00017; gnomAD exomes 0.00018; 1000 Genomes Project 0.00020; 1000 Genomes Project 30x 0.00031.
gnomAD v4.1: 94 of 1,608,804 alleles (0.0058%); highest among the groups gnomAD compares: Admixed American, 0.1%; no homozygotes.

Submissions (8):

PreventionGenetics, part of Exact Sciences
Classification: Uncertain significance for TTN-related condition. Last evaluated: 2026-05-29. Review status: criteria provided, single submitter. Criteria: ACMG Guidelines, 2015. Collection method: clinical testing. Allele origin: germline.
Comment: The TTN c.57073G>A variant is predicted to result in the amino acid substitution p.Val19025Ile. To our knowledge, this variant has not been reported in the literature. This variant is reported in 0.11% of alleles in individuals of Latino descent in gnomAD. Although we suspect that this variant may be benign, at this time, the clinical significance of this variant is uncertain due to the absence of conclusive functional and genetic evidence.

Labcorp Genetics (formerly Invitae), Labcorp
Classification: Likely benign for Dilated cardiomyopathy 1G; Autosomal recessive limb-girdle muscular dystrophy type 2J. Last evaluated: 2026-01-19. Review status: criteria provided, single submitter. Criteria: Invitae Variant Classification Sherloc (09022015). Collection method: clinical testing. Allele origin: germline.

Blueprint Genetics
Classification: Likely benign. Last evaluated: 2023-10-26. Review status: criteria provided, single submitter. Criteria: ACMG Guidelines, 2015. Collection method: clinical testing. Allele origin: germline.

GeneDx
Classification: Likely benign. Last evaluated: 2021-02-23. Review status: criteria provided, single submitter. Criteria: GeneDx Variant Classification Process June 2021. Collection method: clinical testing. Allele origin: germline. Affected: yes.

Revvity Omics, Revvity
Classification: Uncertain significance. Last evaluated: 2020-09-23. Review status: criteria provided, single submitter. Criteria: ACMG Guidelines, 2015. Collection method: clinical testing. Allele origin: germline.

Laboratory for Molecular Medicine, Mass General Brigham Personalized Medicine
Classification: Uncertain significance. Last evaluated: 2017-01-20. Review status: criteria provided, single submitter. Criteria: LMM Criteria. Collection method: clinical testing. Allele origin: germline. Observed: 1 variant allele.
Comment: Variant classified as Uncertain Significance - Favor Benign. The p.Val16457Ile v ariant in TTN has not been previously reported in individuals with cardiomyopath y, but has been reported in ClinVar (Variation ID 212474). This variant has been identified in 0.14% (16/11350) of Latino chromosomes by the Exome Aggregation C onsortium (ExAC; dbSNP rs181957743). Computation al prediction tools and conservation analysis do not provide strong support for or against an impact to the protein. In summary, while the clinical significance of the p.Val16457Ile variant is uncertain, its frequency suggests that it is mo re likely to be benign.

Genomic Diagnostic Laboratory, Division of Genomic Diagnostics, Children's Hospital of Philadelphia
Classification: Uncertain significance. Last evaluated: 2015-07-01. Review status: criteria provided, single submitter. Criteria: DGD Variant Analysis Guidelines. Collection method: clinical testing. Allele origin: unknown.

Genetic Services Laboratory, University of Chicago
Classification: Uncertain significance. Last evaluated: 2015-04-17. Review status: criteria provided, single submitter. Criteria: ACMG Guidelines, 2015. Collection method: clinical testing. Allele origin: germline.